The following is an entry in ClinVar:

NM_000240.4(MAOA):c.168+3A>G

Gene: MAOA (monoamine oxidase A; plus strand). Cytogenetic location: Xp11.3.
Variant type: single nucleotide variant.
Coding change: c.168+3A>G on transcript NM_000240.4 (MANE Select); 3 bases into the intron after coding-DNA position 168, A replaced by G.
Molecular consequence: intron variant.
Genome position (GRCh38, 1-based): chrX:43,683,610, A>G. VCF-style: chrX-43683610-A-G. GRCh37 (hg19) VCF-style: chrX-43542858-A-G.
Other names: c.-232+3A>G (NM_001270458.2).
Identifiers: ClinVar variation 2281257 (VCV002281257.2), dbSNP rs2033460886, ClinGen allele CA2426654379.
Genomic context (GRCh38, chrX:43,683,610, plus strand): 5'-TAGTGTTTTGGTTTTAGAAGCTCGGGACAGGGTTGGAGGAAGAACATATACTATAAGGGT[A>G]AGTGATTTTAATACTTACATGTAATGTAATATCTCACTCAAACTACAAGTGGCACCACTG-3'

ClinVar aggregate classification (germline): Uncertain significance (1 of 4 stars; one submission).

Conditions:
Inborn genetic diseases. Identifiers: MedGen C0950123, MeSH D030342.

Allele frequency attached by ClinVar (database versions not stated): gnomAD exomes below 0.00001; TOPMed 0.00001.
gnomAD v4.1: 1 of 1,166,814 alleles (0.000086%); highest among the groups gnomAD compares: Admixed American, 0.0022%; no homozygotes.

Submission:

Ambry Genetics
Classification: Uncertain significance for Inborn genetic diseases. Last evaluated: 2022-04-22. Review status: criteria provided, single submitter. Criteria: Ambry Variant Classification Scheme 2023. Collection method: clinical testing. Allele origin: germline.
Comment: The c.168+3A>G intronic alteration results from an A to G substitution 3 nucleotides after coding exon 2 of the MAOA gene. This variant was not reported in population-based cohorts in the Genome Aggregation Database (gnomAD). This nucleotide position is highly conserved in available vertebrate species. In silico splice site analysis predicts that this alteration will not have any significant effect on splicing. Based on insufficient or conflicting evidence, the clinical significance of this alteration remains unclear.